The following is an entry in ClinVar:

NM_177438.3(DICER1):c.4643T>G (p.Leu1548Trp)

Gene: DICER1 (dicer 1, ribonuclease III; minus strand). Cytogenetic location: 14q32.13.
Variant type: single nucleotide variant.
Coding change: c.4643T>G on transcript NM_177438.3 (MANE Select); coding-DNA position 4643, T replaced by G.
Protein change: p.Leu1548Trp; replaces leucine 1548 with tryptophan.
Molecular consequence: missense variant.
Genome position (GRCh38, 1-based): chr14:95,096,277, A>C on the plus strand (T>G on the coding strand, the complement: DICER1 is on the minus strand). VCF-style: chr14-95096277-A-C. GRCh37 (hg19) VCF-style: chr14-95562614-A-C.
Other names: c.4643T>G, p.Leu1548Trp (NM_001195573.1, NM_001271282.3, NM_001291628.2 and 1 more transcripts); short protein forms L1548W.
Identifiers: ClinVar variation 1353802 (VCV001353802.9), dbSNP rs2139846736, ClinGen allele CA390867624.

ClinVar aggregate classification (germline): Uncertain significance (1 of 4 stars; one submission).

Conditions:
DICER1-related tumor predisposition. Also called: DICER1 syndrome; DICER1-related pleuropulmonary blastoma cancer predisposition syndrome. Identifiers: Orphanet 284343, MedGen C3839822, MONDO:0100216.

Submission:

Labcorp Genetics (formerly Invitae), Labcorp
Classification: Uncertain significance for DICER1-related tumor predisposition. Last evaluated: 2020-12-04. Review status: criteria provided, single submitter. Criteria: Invitae Variant Classification Sherloc (09022015). Collection method: clinical testing. Allele origin: germline.
Comment: Algorithms developed to predict the effect of missense changes on protein structure and function (SIFT, PolyPhen-2, Align-GVGD) all suggest that this variant is likely to be disruptive, but these predictions have not been confirmed by published functional studies and their clinical significance is uncertain. In summary, the available evidence is currently insufficient to determine the role of this variant in disease. Therefore, it has been classified as a Variant of Uncertain Significance. This variant has not been reported in the literature in individuals with DICER1-related conditions. This variant is not present in population databases (ExAC no frequency). This sequence change replaces leucine with tryptophan at codon 1548 of the DICER1 protein (p.Leu1548Trp). The leucine residue is highly conserved and there is a small physicochemical difference between leucine and tryptophan.